The following is an entry in ClinVar:

ClinVar aggregate classification (germline): Uncertain significance (1 of 4 stars; one submission).

Conditions:
Inborn genetic diseases. Identifiers: MedGen C0950123, MeSH D030342.

gnomAD v4.1: 4 of 1,610,156 alleles (0.00025%); highest among the groups gnomAD compares: South Asian, 0.0011%; no homozygotes.

Submission:

Ambry Genetics
Classification: Uncertain significance for Inborn genetic diseases. Last evaluated: 2025-10-30. Review status: criteria provided, single submitter. Criteria: Ambry Variant Classification Scheme 2023. Collection method: clinical testing. Allele origin: germline.
Comment: The p.G250R variant (also known as c.748G>C), located in coding exon 5 of the RECQL4 gene, results from a G to C substitution at nucleotide position 748. The glycine at codon 250 is replaced by arginine, an amino acid with dissimilar properties. This amino acid position is conserved. In addition, this alteration is predicted to be tolerated by in silico analysis. Based on the available evidence, the clinical significance of this variant remains unclear.

NM_004260.4(RECQL4):c.748G>C (p.Gly250Arg)

Gene: RECQL4 (RecQ like helicase 4; minus strand). Cytogenetic location: 8q24.3.
Variant type: single nucleotide variant.
Coding change: c.748G>C on transcript NM_004260.4 (MANE Select); coding-DNA position 748, G replaced by C.
Protein change: p.Gly250Arg; replaces glycine 250 with arginine.
Molecular consequence: missense variant. On other transcripts: 5 prime UTR variant (17), non-coding transcript variant (3).
Genome position (GRCh38, 1-based): chr8:144,516,371, C>G on the plus strand (G>C on the coding strand, the complement: RECQL4 is on the minus strand). VCF-style: chr8-144516371-C-G. GRCh37 (hg19) VCF-style: chr8-145741755-C-G.
Other names: c.748G>C, p.Gly250Arg (NM_001413017.1, NM_001413018.1, NM_001413019.1 and 4 more transcripts); c.-324G>C (NM_001413021.1, NM_001413022.1, NM_001413023.1 and 7 more transcripts); c.619G>C, p.Gly207Arg (NM_001413025.1); c.-386G>C (NM_001413027.1, NM_001413030.1, NM_001413031.1 and 2 more transcripts); c.397G>C, p.Gly133Arg (NM_001413029.1); c.-228G>C (NM_001413034.1); c.-593G>C (NM_001413043.1); short protein forms G250R, G133R, G207R.
Identifiers: ClinVar variation 4628962 (VCV004628962.1).
Genomic context (GRCh38, chr8:144,516,371, plus strand): 5'-CCCAGGGCTCCTCGTTCCATCTCCGCTTCTCGCCTCCACTGCTGCTGGGCTGGGGGCTCC[C>G]CACACGGATGCTGACTTCTTGGAAGGCTGAAGCCTCTGGGCCCTGGGAGCCAGCACCAGG-3'
Protein context (NP_004251.4, residues 240-260): SAFQEVSIRV[Gly250Arg]SPQPSSSGGE